The following is an entry in ClinVar:

ClinVar aggregate classification (germline): Pathogenic/Likely pathogenic. Review status: criteria provided, multiple submitters, no conflicts (2 of 4 stars). 5 submissions from 5 submitters: Pathogenic (3); Likely pathogenic (1). 1 of the submissions does not count toward it. Last evaluated 2025-02-03.

Conditions:
Arginase deficiency. Also called: ARG1 DEFICIENCY; ARGININEMIA; Arginase 1 Deficiency. Identifiers: Orphanet 90, MedGen C0268548, MONDO:0008814, OMIM 207800.

Allele frequency attached by ClinVar (database versions not stated): gnomAD below 0.00001 and 0.00001; gnomAD exomes below 0.00001; ExAC 0.00001.

Submissions (5):

Labcorp Genetics (formerly Invitae), Labcorp
Classification: Pathogenic for Arginase deficiency. Last evaluated: 2025-02-03. Review status: criteria provided, single submitter. Criteria: Invitae Variant Classification Sherloc (09022015). Collection method: clinical testing. Allele origin: germline.
Comment: This sequence change replaces isoleucine, which is neutral and non-polar, with threonine, which is neutral and polar, at codon 11 of the ARG1 protein (p.Ile11Thr). This variant is present in population databases (rs28941474, gnomAD 0.003%). This missense change has been observed in individual(s) with argininemia (PMID: 7649538, 21310339, 22959135, 26310552, 29443755). ClinVar contains an entry for this variant (Variation ID: 2393). Invitae Evidence Modeling of protein sequence and biophysical properties (such as structural, functional, and spatial information, amino acid conservation, physicochemical variation, residue mobility, and thermodynamic stability) indicates that this missense variant is not expected to disrupt ARG1 protein function with a negative predictive value of 80%. For these reasons, this variant has been classified as Pathogenic.

Women's Health and Genetics/Laboratory Corporation of America, LabCorp
Classification: Pathogenic for Arginase deficiency. Last evaluated: 2024-12-27. Review status: criteria provided, single submitter. Criteria: LabCorp Variant Classification Summary - May 2015. Collection method: clinical testing. Allele origin: germline.
Comment: Variant summary: ARG1 c.32T>C (p.Ile11Thr) results in a non-conservative amino acid change located in the Arginase/deacetylase domain (IPR023696) of the encoded protein sequence. Five of five in-silico tools predict a damaging effect of the variant on protein function. The variant allele was found at a frequency of 4e-06 in 250904 control chromosomes. c.32T>C has been reported in the literature in multiple compound heterozygous or homozygous individuals affected with Arginase Deficiency (e.g. Cai_2018, Carvalho_2012, Uchino_1995). These data indicate that the variant is very likely to be associated with disease. At least one publication reports experimental evidence evaluating an impact on protein function. The most pronounced variant effect results in 10%-<30% of normal enzyme activity in vitro (e.g. Uchino_1995). The following publications have been ascertained in the context of this evaluation (PMID: 29443755, 22959135, 7649538). ClinVar contains an entry for this variant (Variation ID: 2393). Based on the evidence outlined above, the variant was classified as pathogenic.

Baylor Genetics
Classification: Pathogenic for Arginase deficiency. Last evaluated: 2024-03-03. Review status: criteria provided, single submitter. Criteria: ACMG Guidelines, 2015. Collection method: clinical testing. Allele origin: unknown.

Lifecell International Pvt. Ltd
Classification: Likely pathogenic for Arginase deficiency. Review status: criteria provided, single submitter. Criteria: ACMG Guidelines, 2015. Collection method: clinical testing. Allele origin: germline. Inheritance: Autosomal recessive inheritance. Affected: yes. Observed: 1 homozygote.
Comment: A Homozygote Missense variant c.32T>C in Exon 1 of the ARG1 gene that results in the amino acid substitution p.Ile11Thr was identified. The observed variant is novel in gnomAD exomes and genomes. The severity of the impact of this variant on the protein is medium, based on the effect of the protein and REVEL score. Rare Exome Variant Ensemble Learner (REVEL) is an ensembl method for predicting the pathogenicity of missense variants based on a combination of scores from 13 individual tools: MutPred, FATHMM v2.3, VEST 3.0, PolyPhen-2, SIFT, PROVEAN, MutationAssessor, MutationTaster, LRT, GERP++, SiPhy, phyloP, and phastCons. The REVEL score for an individual missense variant can range from 0 to 1, with higher scores reflecting greater likelihood that the variant is disease-causing. ClinVar has also classified this variant as Pathogenic [Variation ID: 2393]. The observed variation has been previously reported in patients affected with hyperargininemia (Carvalho, Daniel Rocha et al., 2012). For these reasons, this variant has been classified as Likely Pathogenic.

OMIM
Classification: Pathogenic for ARGININEMIA. Last evaluated: 1995-09-01. Review status: no assertion criteria provided. Collection method: literature only. Allele origin: germline. Not counted in ClinVar's aggregate classification.

Literature cited by the submitters: PubMed 7649538 (cited by 3 submitters); PubMed 21310339 (cited by Labcorp Genetics (formerly Invitae), Labcorp); PubMed 22959135 (cited by 3 submitters); PubMed 26310552 (cited by Labcorp Genetics (formerly Invitae), Labcorp); PubMed 29443755 (cited by Labcorp Genetics (formerly Invitae), Labcorp and Women's Health and Genetics/Laboratory Corporation of America, LabCorp); PubMed 480013 (cited by OMIM).

NM_000045.4(ARG1):c.32T>C (p.Ile11Thr)

Gene: ARG1 (arginase 1; plus strand). Cytogenetic location: 6q23.2.
Variant type: single nucleotide variant.
Coding change: c.32T>C on transcript NM_000045.4 (MANE Select); coding-DNA position 32, T replaced by C.
Protein change: p.Ile11Thr; replaces isoleucine 11 with threonine.
Molecular consequence: missense variant. On other transcripts: non-coding transcript variant (1).
Genome position (GRCh38, 1-based): chr6:131,573,314, T>C. VCF-style: chr6-131573314-T-C. GRCh37 (hg19) VCF-style: chr6-131894454-T-C.
Other names: c.32T>C, p.Ile11Thr (NM_001244438.2, NM_001369020.1); short protein forms I11T.
Identifiers: ClinVar variation 2393 (VCV000002393.10), dbSNP rs28941474, ClinGen allele CA339975.